The following is an entry in ClinVar:

NM_020433.5(JPH2):c.1132G>A (p.Ala378Thr)

Gene: JPH2 (junctophilin 2; minus strand). Cytogenetic location: 20q13.12.
Variant type: single nucleotide variant.
Coding change: c.1132G>A on transcript NM_020433.5 (MANE Select); coding-DNA position 1132, G replaced by A.
Protein change: p.Ala378Thr; replaces alanine 378 with threonine.
Molecular consequence: missense variant.
Genome position (GRCh38, 1-based): chr20:44,159,655, C>T on the plus strand (G>A on the coding strand, the complement: JPH2 is on the minus strand). VCF-style: chr20-44159655-C-T. GRCh37 (hg19) VCF-style: chr20-42788295-C-T.
Other names: short protein forms A378T.
Identifiers: ClinVar variation 1520666 (VCV001520666.6), dbSNP rs770866282, ClinGen allele CA9868744.
Genomic context (GRCh38, chr20:44,159,655, plus strand): 5'-TCCCACCCCCACCGCTGTCCTACCTGGAGGCGGCAATCTCGGCCTTCTGGCGCGCGATAG[C>T]AGCGGCGCGCTGGGCACCCTCCACACTGTGCTCCACTTTCTGGCGGACCTTGTTGCTCTT-3'
Protein context (NP_065166.2, residues 368-388): HSVEGAQRAA[Ala378Thr]IARQKAEIAA

ClinVar aggregate classification (germline): Uncertain significance (1 of 4 stars; one submission).

Conditions:
Hypertrophic cardiomyopathy. Also called: HYPERTROPHIC MYOCARDIOPATHY. Identifiers: Orphanet 217569, MedGen C0007194, MeSH D002312, MONDO:0005045, HP:0001639.

Allele frequency attached by ClinVar (database versions not stated): gnomAD exomes below 0.00001 and 0.00001; ExAC 0.00001; gnomAD 0.00001; TOPMed 0.00001.
gnomAD v4.1: 2 of 1,609,024 alleles (0.00012%); highest among the groups gnomAD compares: East Asian, 0.0022%; no homozygotes.

Submission:

Labcorp Genetics (formerly Invitae), Labcorp
Classification: Uncertain significance for Hypertrophic cardiomyopathy. Last evaluated: 2024-03-05. Review status: criteria provided, single submitter. Criteria: Invitae Variant Classification Sherloc (09022015). Collection method: clinical testing. Allele origin: germline.
Comment: This sequence change replaces alanine, which is neutral and non-polar, with threonine, which is neutral and polar, at codon 378 of the JPH2 protein (p.Ala378Thr). This variant is present in population databases (rs770866282, gnomAD 0.007%). This variant has not been reported in the literature in individuals affected with JPH2-related conditions. ClinVar contains an entry for this variant (Variation ID: 1520666). An algorithm developed to predict the effect of missense changes on protein structure and function (PolyPhen-2) suggests that this variant is likely to be disruptive. In summary, the available evidence is currently insufficient to determine the role of this variant in disease. Therefore, it has been classified as a Variant of Uncertain Significance.